The following is an entry in ClinVar:

ClinVar aggregate classification (germline): conflicting data from submitters (0 of 4 stars; one submission).

Submission:

ISCA site 1
Classification: conflicting data from submitters. Last evaluated: 2011-01-27. Review status: no assertion criteria provided. Collection method: clinical testing. Allele origin: unknown, paternal. Affected: yes. Observed: 2 variant alleles.
Comment: Uncertain significance(1), Likely benign (1)

Copy number variation identified through the course of routine clinical cytogenomic testing in postnatal populations, with clinical assertions as classified by the original submitter. For data from the original published study, Kaminsky, et al. 2011 (PubMed 21844811), please see nstd101.

GRCh38/hg38 20q13.13(chr20:47858604-48480223)x3

Genes: LINC00494 (long intergenic non-protein coding RNA 494; plus strand), LINC01522 (long intergenic non-protein coding RNA 1522; minus strand), LINC01523 (long intergenic non-protein coding RNA 1523; plus strand), LOC126863043 (CDK7 strongly-dependent group 2 enhancer GRCh37_chr20:46893650-46894849; plus strand), LOC130066032 (ATAC-STARR-seq lymphoblastoid silent region 12982; plus strand) and 10 more. Cytogenetic location: 20q13.13.
Variant type: copy number gain.
Change: copy number 3 (three copies instead of two) of chr20:47,858,604-48,480,223 (621.6 kb, GRCh38 coordinates, 1-based), cytogenetic band 20q13.13.
Identifiers: ClinVar variation 146461 (VCV000146461.2).